The following is an entry in ClinVar:

NM_004525.3(LRP2):c.11220T>A (p.Asp3740Glu)

Gene: LRP2 (LDL receptor related protein 2; minus strand). Cytogenetic location: 2q31.1.
Variant type: single nucleotide variant.
Coding change: c.11220T>A on transcript NM_004525.3 (MANE Select); coding-DNA position 11220, T replaced by A.
Protein change: p.Asp3740Glu; replaces aspartic acid 3740 with glutamic acid.
Molecular consequence: missense variant.
Genome position (GRCh38, 1-based): chr2:169,172,058, A>T on the plus strand (T>A on the coding strand, the complement: LRP2 is on the minus strand). VCF-style: chr2-169172058-A-T. GRCh37 (hg19) VCF-style: chr2-170028568-A-T.
Other names: short protein forms D3740E.
Identifiers: ClinVar variation 3370129 (VCV003370129.1).
Genomic context (GRCh38, chr2:169,172,058, plus strand): 5'-GGACTGTGAACACTCACCACAGTTTTCCTCATCTGAGTTATCTCCACAGTCATTTTGCCC[A>T]TCACACTGCCAACGAAGAGGGATGCAGTGGTGATTTTTACAGCGGAAATCCCCCACAGGA-3'
Protein context (NP_004516.2, residues 3730-3750): HHCIPLRWQC[Asp3740Glu]GQNDCGDNSD

ClinVar aggregate classification (germline): Uncertain significance (1 of 4 stars; one submission).

Submission:

GeneDx
Classification: Uncertain significance. Last evaluated: 2023-12-28. Review status: criteria provided, single submitter. Criteria: GeneDx Variant Classification Process June 2021. Collection method: clinical testing. Allele origin: germline. Affected: yes.
Comment: Not observed at significant frequency in large population cohorts (gnomAD); In silico analysis supports that this missense variant has a deleterious effect on protein structure/function; Has not been previously published as pathogenic or benign to our knowledge